The following is an entry in ClinVar:

NM_000268.4(NF2):c.582G>C (p.Glu194Asp)

Gene: NF2 (NF2, moesin-ezrin-radixin like (MERLIN) tumor suppressor; plus strand). Cytogenetic location: 22q12.2.
Variant type: single nucleotide variant.
Coding change: c.582G>C on transcript NM_000268.4 (MANE Select); coding-DNA position 582, G replaced by C.
Protein change: p.Glu194Asp; replaces glutamic acid 194 with aspartic acid.
Molecular consequence: missense variant. On other transcripts: non-coding transcript variant (1), intron variant (1).
Genome position (GRCh38, 1-based): chr22:29,655,659, G>C. VCF-style: chr22-29655659-G-C. GRCh37 (hg19) VCF-style: chr22-30051648-G-C.
Other names: c.468G>C, p.Glu156Asp (NM_001407053.1, NM_001407056.1); c.459G>C, p.Glu153Asp (NM_001407054.1, NM_001407058.1, NM_001407062.1 and 1 more transcripts); c.456G>C, p.Glu152Asp (NM_001407055.1, NM_181828.3); c.582G>C, p.Glu194Asp (NM_001407057.1, NM_001407059.1, NM_001407060.1 and 4 more transcripts); c.333G>C, p.Glu111Asp (NM_001407063.1, NM_001407064.1, NM_181830.3 and 1 more transcripts); c.48G>C, p.Glu16Asp (NM_001407065.1); c.351G>C, p.Glu117Asp (NM_001407067.1); c.447+13374G>C (NM_181833.3); short protein forms E111D, E153D, E16D, E156D, E117D, E152D, E194D.
Identifiers: ClinVar variation 1749960 (VCV001749960.6), dbSNP rs2146973530, ClinGen allele CA411142666.

ClinVar aggregate classification (germline): Uncertain significance. Review status: criteria provided, multiple submitters, no conflicts (2 of 4 stars). 3 submissions from 3 submitters: Uncertain significance (3). Last evaluated 2025-01-06.

Conditions:
Neurofibromatosis, type 2 (SWNV). Also called: SCHWANNOMATOSIS, VESTIBULAR; NF2-Related Schwannomatosis; BILATERAL ACOUSTIC NEUROFIBROMATOSIS. Identifiers: Orphanet 637, MedGen C0027832, MONDO:0007039, OMIM 101000. Disease mechanism: loss of function.
Hereditary cancer-predisposing syndrome. Also called: Hereditary Cancer Syndrome; Hereditary neoplastic syndrome; Neoplastic Syndromes, Hereditary; Tumor predisposition. Identifiers: Orphanet 140162, MedGen C0027672, MeSH D009386, MONDO:0015356.

Submissions (3):

Ambry Genetics
Classification: Uncertain significance for Hereditary cancer-predisposing syndrome. Last evaluated: 2025-01-06. Review status: criteria provided, single submitter. Criteria: Ambry Variant Classification Scheme 2023. Collection method: clinical testing. Allele origin: germline.
Comment: The p.E194D variant (also known as c.582G>C), located in coding exon 6 of the NF2 gene, results from a G to C substitution at nucleotide position 582. The glutamic acid at codon 194 is replaced by aspartic acid, an amino acid with highly similar properties. This amino acid position is well conserved in available vertebrate species. In addition, the in silico prediction for this alteration is inconclusive. Based on the available evidence, the clinical significance of this variant remains unclear.

Labcorp Genetics (formerly Invitae), Labcorp
Classification: Uncertain significance for Neurofibromatosis, type 2. Last evaluated: 2024-11-19. Review status: criteria provided, single submitter. Criteria: Invitae Variant Classification Sherloc (09022015). Collection method: clinical testing. Allele origin: germline.
Comment: This sequence change replaces glutamic acid, which is acidic and polar, with aspartic acid, which is acidic and polar, at codon 194 of the NF2 protein (p.Glu194Asp). This variant is not present in population databases (gnomAD no frequency). This variant has not been reported in the literature in individuals affected with NF2-related conditions. ClinVar contains an entry for this variant (Variation ID: 1749960). Invitae Evidence Modeling of protein sequence and biophysical properties (such as structural, functional, and spatial information, amino acid conservation, physicochemical variation, residue mobility, and thermodynamic stability) indicates that this missense variant is not expected to disrupt NF2 protein function with a negative predictive value of 80%. In summary, the available evidence is currently insufficient to determine the role of this variant in disease. Therefore, it has been classified as a Variant of Uncertain Significance.

All of Us Research Program, National Institutes of Health
Classification: Uncertain significance for Neurofibromatosis, type 2. Last evaluated: 2024-04-10. Review status: criteria provided, single submitter. Criteria: ACMG Guidelines, 2015. Collection method: clinical testing. Allele origin: germline. Inheritance: Autosomal dominant inheritance. Observed: 1 variant allele, 1 heterozygote.
Comment: This study involves interpretation of variants in research participants for the purpose of population health screening. Participant phenotype was not available at the time of variant classification. Additional details can be found in publication PMID: 35346344, PMCID: PMC8962531